The following is an entry in ClinVar:

ClinVar aggregate classification (germline): Pathogenic (1 of 4 stars; one submission).

Conditions:
Retinoblastoma (RB1). Also called: RETINOBLASTOMA, SOMATIC. Identifiers: Orphanet 790, MedGen C0035335, MeSH D012175, MONDO:0008380, OMIM 180200, HP:0009919. Disease mechanism: loss of function. Inheritance: Both sporadic and heritable forms are tested..

Submission:

Labcorp Genetics (formerly Invitae), Labcorp
Classification: Pathogenic for Retinoblastoma. Last evaluated: 2023-11-24. Review status: criteria provided, single submitter. Criteria: Invitae Variant Classification Sherloc (09022015). Collection method: clinical testing. Allele origin: germline.
Comment: This sequence change creates a premature translational stop signal (p.Asn519*) in the RB1 gene. It is expected to result in an absent or disrupted protein product. Loss-of-function variants in RB1 are known to be pathogenic (PMID: 17096365). This variant is not present in population databases (gnomAD no frequency). This variant has not been reported in the literature in individuals affected with RB1-related conditions. For these reasons, this variant has been classified as Pathogenic.

Literature cited by the submitters: PubMed 17096365.

NM_000321.3(RB1):c.1554_1561del (p.Leu518_Asn519insTer)

Gene: RB1 (RB transcriptional corepressor 1; plus strand). Cytogenetic location: 13q14.2.
Variant type: Deletion.
Coding change: c.1554_1561del on transcript NM_000321.3 (MANE Select); coding-DNA positions 1554 to 1561, 8 bases deleted (GAATGTGC; older notation c.1554_1561delGAATGTGC).
Protein change: p.Leu518_Asn519insTer.
Molecular consequence: frameshift variant.
Genome position (GRCh38, 1-based): chr13:48,381,302-48,381,309, GAATGTGC deleted. VCF-style (leftmost placement, unchanged base first): chr13-48381301-TGAATGTGC-T. GRCh37 (hg19) VCF-style: chr13-48955437-TGAATGTGC-T.
Other names: c.1554_1561del, p.Leu518_Asn519insTer (NM_001407165.1, NM_001407166.1).
Identifiers: ClinVar variation 2698331 (VCV002698331.3), dbSNP rs2542206617, ClinGen allele CA2697551855.